The following is an entry in ClinVar:

ClinVar aggregate classification (germline): Uncertain significance (1 of 4 stars; one submission).

Conditions:
Leigh syndrome (NULS). Also called: Leigh's necrotizing encephalopathy; Leigh's disease; Leigh Syndrome (mtDNA deletion); Leigh Disease; Subacute necrotizing encephalopathy; Necrotizing encephalopathy infantile subacute of Leigh. Identifiers: Orphanet 506, MedGen C2931891, MONDO:0009723, OMIM 256000.

Submission:

Wong Mito Lab, Molecular and Human Genetics, Baylor College of Medicine
Classification: Uncertain significance for Leigh syndrome. Last evaluated: 2019-10-17. Review status: criteria provided, single submitter. Criteria: Modified ACMG Guidelines (Unpublished). Collection method: clinical testing. Allele origin: germline.
Comment: The NC_012920.1:m.4055T>C (YP_003024026.1:p.Leu250Pro) variant in MTND1 gene is interpretated to be a Uncertain Significance variant based on the modified ACMG guidelines (unpublished). This variant meets the following evidence codes: PP6, PP7, BP4

NC_012920.1(MT-ND1):m.4055T>C

Gene: MT-ND1 (mitochondrially encoded NADH dehydrogenase 1; plus strand).
Variant type: single nucleotide variant.
Genome position: chrM-4055-T-C.
Identifiers: ClinVar variation 692417 (VCV000692417.1), dbSNP rs1603219279, ClinGen allele CA414774093.